The following is an entry in ClinVar:

NM_001378454.1(ALMS1):c.199A>C (p.Ser67Arg)

Gene: ALMS1 (ALMS1 centrosome and basal body associated protein; plus strand). Cytogenetic location: 2p13.1.
Variant type: single nucleotide variant.
Coding change: c.199A>C on transcript NM_001378454.1 (MANE Select); coding-DNA position 199, A replaced by C.
Protein change: p.Ser67Arg; replaces serine 67 with arginine.
Molecular consequence: missense variant.
Genome position (GRCh38, 1-based): chr2:73,386,067, A>C. VCF-style: chr2-73386067-A-C. GRCh37 (hg19) VCF-style: chr2-73613195-A-C.
Other names: c.202A>C, p.Ser68Arg (NM_015120.4); short protein forms S67R, S68R.
Identifiers: ClinVar variation 956261 (VCV000956261.1), dbSNP rs1670519049, ClinGen allele CA347250813.

ClinVar aggregate classification (germline): Uncertain significance (1 of 4 stars; one submission).

Conditions:
Alstrom syndrome (ALMS). Identifiers: Orphanet 64, MedGen C0268425, MONDO:0008763, OMIM 203800.

Submission:

Labcorp Genetics (formerly Invitae), Labcorp
Classification: Uncertain significance for Alstrom syndrome. Last evaluated: 2019-09-07. Review status: criteria provided, single submitter. Criteria: Invitae Variant Classification Sherloc (09022015). Collection method: clinical testing. Allele origin: germline.
Comment: This sequence change replaces serine with arginine at codon 68 of the ALMS1 protein (p.Ser68Arg). The serine residue is moderately conserved and there is a moderate physicochemical difference between serine and arginine. This variant is not present in population databases (ExAC no frequency). This variant has not been reported in the literature in individuals with ALMS1-related conditions. Algorithms developed to predict the effect of missense changes on protein structure and function are either unavailable or do not agree on the potential impact of this missense change (SIFT: "Deleterious"; PolyPhen-2: "Not Available"; Align-GVGD: "Class C0"). In summary, the available evidence is currently insufficient to determine the role of this variant in disease. Therefore, it has been classified as a Variant of Uncertain Significance.